The following is an entry in ClinVar:

ClinVar aggregate classification (germline): Uncertain significance (1 of 4 stars; one submission).

gnomAD v4.1: 1 of 1,614,210 alleles (0.000062%); highest among the groups gnomAD compares: Non-Finnish European, 0.000085%; no homozygotes.

Submission:

GeneDx
Classification: Uncertain significance. Last evaluated: 2019-09-01. Review status: criteria provided, single submitter. Criteria: GeneDx Variant Classification Process June 2021. Collection method: clinical testing. Allele origin: germline. Affected: yes.
Comment: Not observed in large population cohorts (Lek et al., 2016); In silico analysis, which includes protein predictors and evolutionary conservation, supports a deleterious effect; Has not been previously published as pathogenic or benign to our knowledge

NM_006766.5(KAT6A):c.5817C>A (p.Asn1939Lys)

Gene: KAT6A (lysine acetyltransferase 6A; minus strand). Cytogenetic location: 8p11.21.
Variant type: single nucleotide variant.
Coding change: c.5817C>A on transcript NM_006766.5 (MANE Select); coding-DNA position 5817, C replaced by A.
Protein change: p.Asn1939Lys; replaces asparagine 1939 with lysine.
Molecular consequence: missense variant.
Genome position (GRCh38, 1-based): chr8:41,932,403, G>T on the plus strand (C>A on the coding strand, the complement: KAT6A is on the minus strand). VCF-style: chr8-41932403-G-T. GRCh37 (hg19) VCF-style: chr8-41789921-G-T.
Other names: short protein forms N1939K.
Identifiers: ClinVar variation 1303386 (VCV001303386.2), dbSNP rs2150854586, ClinGen allele CA371060268.
Genomic context (GRCh38, chr8:41,932,403, plus strand): 5'-CCCCATCATTCCCATCTGCATCTGCATAGGATACTGTGCTGTCTGGTTCATGTAGGCAGG[G>T]TTACTATGGTAACTGCTGTTCATCATGGGCTGTGTCATTCGATAGCTGTTCATGGCATTC-3'
Protein context (NP_006757.2, residues 1929-1949): QPMMNSSYHS[Asn1939Lys]PAYMNQTAQY